The following is an entry in ClinVar:

ClinVar aggregate classification (germline): Uncertain significance (1 of 4 stars; one submission).

Allele frequency attached by ClinVar (database versions not stated): gnomAD exomes below 0.00001; TOPMed below 0.00001; ExAC 0.00002.
gnomAD v4.1: 6 of 1,605,542 alleles (0.00037%); highest among the groups gnomAD compares: Admixed American, 0.0034%; no homozygotes.

Submission:

Labcorp Genetics (formerly Invitae), Labcorp
Classification: Uncertain significance. Last evaluated: 2024-01-11. Review status: criteria provided, single submitter. Criteria: Invitae Variant Classification Sherloc (09022015). Collection method: clinical testing. Allele origin: germline.
Comment: This sequence change replaces methionine, which is neutral and non-polar, with valine, which is neutral and non-polar, at codon 783 of the NLRP1 protein (p.Met783Val). This variant is present in population databases (rs779392816, gnomAD 0.006%). This variant has not been reported in the literature in individuals affected with NLRP1-related conditions. An algorithm developed to predict the effect of missense changes on protein structure and function (PolyPhen-2) suggests that this variant is likely to be tolerated. In summary, the available evidence is currently insufficient to determine the role of this variant in disease. Therefore, it has been classified as a Variant of Uncertain Significance.

NM_033004.4(NLRP1):c.2347A>G (p.Met783Val)

Gene: NLRP1 (NLR family pyrin domain containing 1; minus strand). Cytogenetic location: 17p13.2.
Variant type: single nucleotide variant.
Coding change: c.2347A>G on transcript NM_033004.4 (MANE Select); coding-DNA position 2347, A replaced by G.
Protein change: p.Met783Val; replaces methionine 783 with valine.
Molecular consequence: missense variant.
Genome position (GRCh38, 1-based): chr17:5,558,349, T>C on the plus strand (A>G on the coding strand, the complement: NLRP1 is on the minus strand). VCF-style: chr17-5558349-T-C. GRCh37 (hg19) VCF-style: chr17-5461669-T-C.
Other names: c.2347A>G, p.Met783Val (NM_001033053.3, NM_014922.5, NM_033006.4 and 1 more transcripts); short protein forms M783V.
Identifiers: ClinVar variation 3005396 (VCV003005396.3), dbSNP rs779392816, ClinGen allele CA8327206.